The following is an entry in ClinVar:

ClinVar aggregate classification (germline): Likely benign. Review status: criteria provided, multiple submitters, no conflicts (2 of 4 stars). 2 submissions from 2 submitters: Likely benign (2). Last evaluated 2022-08-09.

Allele frequency attached by ClinVar (database versions not stated): gnomAD exomes below 0.00001 and 0.00001; gnomAD 0.00001.
gnomAD v4.1: 9 of 1,614,060 alleles (0.00056%); highest among the groups gnomAD compares: East Asian, 0.0045%; no homozygotes.

Submissions (2):

Labcorp Genetics (formerly Invitae), Labcorp
Classification: Likely benign. Last evaluated: 2022-08-09. Review status: criteria provided, single submitter. Criteria: Invitae Variant Classification Sherloc (09022015). Collection method: clinical testing. Allele origin: germline.

CeGaT Center for Human Genetics Tuebingen
Classification: Likely benign. Last evaluated: 2022-04-01. Review status: criteria provided, single submitter. Criteria: CeGaT Center For Human Genetics Tuebingen Variant Classification Criteria Version 2. Collection method: clinical testing. Allele origin: germline. Affected: yes. Observed: 1 variant allele.
Comment: PUS3: BP4, BP7

NM_031307.4(PUS3):c.63G>A (p.Leu21=)

Genes: HYLS1 (HYLS1 centriolar and ciliogenesis associated; plus strand), PUS3 (pseudouridine synthase 3; minus strand). Cytogenetic location: 11q24.2.
Variant type: single nucleotide variant.
Coding change: c.63G>A on transcript NM_031307.4 (MANE Select); coding-DNA position 63, G replaced by A.
Protein change: p.Leu21=; no amino-acid change (leucine 21 retained).
Molecular consequence: synonymous variant. On other transcripts: intron variant (6).
Genome position (GRCh38, 1-based): chr11:125,896,222, C>T on the plus strand (G>A on the coding strand, the complement: PUS3 is on the minus strand). VCF-style: chr11-125896222-C-T. GRCh37 (hg19) VCF-style: chr11-125766117-C-T.
Other names: c.-80-2882C>T (NM_145014.3); c.-25-3122C>T (NM_001134793.2, NM_001377269.1); c.-22-3125C>T (NM_001424364.1, NM_001377270.1); c.-246-433G>A (NM_001271985.2).
Identifiers: ClinVar variation 1540457 (VCV001540457.31), dbSNP rs1039671217, ClinGen allele CA230552823.